The following is an entry in ClinVar:

ClinVar aggregate classification (germline): Pathogenic. Review status: criteria provided, multiple submitters, no conflicts (2 of 4 stars). 2 submissions from 2 submitters: Pathogenic (2). Last evaluated 2023-02-11.

Conditions:
Duchenne muscular dystrophy (DMD). Also called: MUSCULAR DYSTROPHY, PSEUDOHYPERTROPHIC PROGRESSIVE, DUCHENNE TYPE; Duchenne Muscular Dystrophy (DMD). Identifiers: Orphanet 98896, MedGen C0013264, MONDO:0010679, OMIM 310200.

Submissions (2):

Labcorp Genetics (formerly Invitae), Labcorp
Classification: Pathogenic for Duchenne muscular dystrophy. Last evaluated: 2023-02-11. Review status: criteria provided, single submitter. Criteria: Invitae Variant Classification Sherloc (09022015). Collection method: clinical testing. Allele origin: germline.
Comment: This sequence change affects a donor splice site in intron 67 of the DMD gene. It is expected to disrupt RNA splicing. Variants that disrupt the donor or acceptor splice site typically lead to a loss of protein function (PMID: 16199547), and loss-of-function variants in DMD are known to be pathogenic (PMID: 16770791, 25007885). For these reasons, this variant has been classified as Pathogenic. Algorithms developed to predict the effect of sequence changes on RNA splicing suggest that this variant may disrupt the consensus splice site. ClinVar contains an entry for this variant (Variation ID: 1377945). Disruption of this splice site has been observed in individual(s) with Duchenne muscular dystrophy (PMID: 19409785). This variant is not present in population databases (gnomAD no frequency).

Laboratory of Medical Genetics, National & Kapodistrian University of Athens
Classification: Pathogenic for Duchenne muscular dystrophy. Last evaluated: 2022-12-16. Review status: criteria provided, single submitter. Criteria: ACMG Guidelines, 2015. Collection method: clinical testing. Allele origin: germline. Affected: yes.
Comment: PVS1, PM2, PP5

Literature cited by the submitters: PubMed 16199547 (cited by Labcorp Genetics (formerly Invitae), Labcorp); PubMed 16770791 (cited by Labcorp Genetics (formerly Invitae), Labcorp); PubMed 25007885 (cited by Labcorp Genetics (formerly Invitae), Labcorp); PubMed 19409785 (cited by Labcorp Genetics (formerly Invitae), Labcorp).

NM_004006.3(DMD):c.9807+1G>C

Gene: DMD (dystrophin; minus strand). Cytogenetic location: Xp21.2.
Variant type: single nucleotide variant.
Coding change: c.9807+1G>C on transcript NM_004006.3 (MANE Select); the canonical splice donor site of the intron after coding-DNA position 9807, G replaced by C.
Molecular consequence: splice donor variant.
Genome position (GRCh38, 1-based): chrX:31,203,960, C>G on the plus strand (G>C on the coding strand, the complement: DMD is on the minus strand). VCF-style: chrX-31203960-C-G. GRCh37 (hg19) VCF-style: chrX-31222077-C-G.
Other names: c.9783+1G>C (NM_000109.4); c.5784+1G>C (NM_004011.4); c.5775+1G>C (NM_004012.4); c.2427+1G>C (NM_004023.3, NM_004020.4, NM_004022.3 and 2 more transcripts); c.1620+1G>C (NM_004014.3); c.603+1G>C (NM_004018.3, NM_004017.3, NM_004016.3 and 2 more transcripts); c.9795+1G>C (NM_004009.3); c.9438+1G>C (NM_004010.3).
Identifiers: ClinVar variation 1377945 (VCV001377945.7), dbSNP rs1569460610, ClinGen allele CA412648335.